The following is an entry in ClinVar:

ClinVar aggregate classification (germline): Uncertain significance (1 of 4 stars; one submission).

Conditions:
Granulomatous disease, chronic, autosomal recessive, cytochrome b-positive, type 3. Also called: Granulomatous disease, chronic, autosomal recessive, cytochrome b-positive, type III; GRANULOMATOUS DISEASE, CHRONIC, DUE TO NCF4 DEFICIENCY; GRANULOMATOUS DISEASE, CHRONIC, AUTOSOMAL RECESSIVE, 3; CGD, AUTOSOMAL RECESSIVE CYTOCHROME b-POSITIVE, TYPE III. Identifiers: Orphanet 379, MedGen C3151409, MONDO:0013507, OMIM 613960.

Allele frequency attached by ClinVar (database versions not stated): gnomAD exomes below 0.00001; gnomAD 0.00004; TOPMed 0.00007.
gnomAD v4.1: 10 of 1,563,618 alleles (0.00064%); highest among the groups gnomAD compares: African/African-American, 0.012%; no homozygotes.

Submission:

Labcorp Genetics (formerly Invitae), Labcorp
Classification: Uncertain significance for Granulomatous disease, chronic, autosomal recessive, cytochrome b-positive, type 3. Last evaluated: 2024-10-22. Review status: criteria provided, single submitter. Criteria: Invitae Variant Classification Sherloc (09022015). Collection method: clinical testing. Allele origin: germline.
Comment: This sequence change replaces glutamic acid, which is acidic and polar, with glutamine, which is neutral and polar, at codon 176 of the NCF4 protein (p.Glu176Gln). This variant is not present in population databases (gnomAD no frequency). This variant has not been reported in the literature in individuals affected with NCF4-related conditions. ClinVar contains an entry for this variant (Variation ID: 2147419). An algorithm developed to predict the effect of missense changes on protein structure and function (PolyPhen-2) suggests that this variant is likely to be tolerated. In summary, the available evidence is currently insufficient to determine the role of this variant in disease. Therefore, it has been classified as a Variant of Uncertain Significance.

NM_000631.5(NCF4):c.526G>C (p.Glu176Gln)

Gene: NCF4 (neutrophil cytosolic factor 4; plus strand). Cytogenetic location: 22q12.3.
Variant type: single nucleotide variant.
Coding change: c.526G>C on transcript NM_000631.5 (MANE Select); coding-DNA position 526, G replaced by C.
Protein change: p.Glu176Gln; replaces glutamic acid 176 with glutamine.
Molecular consequence: missense variant.
Genome position (GRCh38, 1-based): chr22:36,871,707, G>C. VCF-style: chr22-36871707-G-C. GRCh37 (hg19) VCF-style: chr22-37267749-G-C.
Other names: c.526G>C, p.Glu176Gln (NM_013416.4); short protein forms E176Q.
Identifiers: ClinVar variation 2147419 (VCV002147419.3), dbSNP rs748770662, ClinGen allele CA323992422.